The following is an entry in ClinVar:

ClinVar aggregate classification (germline): Likely benign (1 of 4 stars; one submission).

gnomAD v4.1: 466 of 635,168 alleles (0.073%); highest among the groups gnomAD compares: South Asian, 0.53%; no homozygotes.

Submission:

CeGaT Center for Human Genetics Tuebingen
Classification: Likely benign. Last evaluated: 2025-07-01. Review status: criteria provided, single submitter. Criteria: CeGaT Center For Human Genetics Tuebingen Variant Classification Criteria Version 2. Collection method: clinical testing. Allele origin: germline. Affected: yes. Observed: 1 variant allele.
Comment: SPIN2B: BP4, BP7, BS2

NM_001006681.2(SPIN2B):c.132G>A (p.Gln44=)

Gene: SPIN2B (spindlin family member 2B; minus strand). Cytogenetic location: Xp11.21.
Variant type: single nucleotide variant.
Coding change: c.132G>A on transcript NM_001006681.2 (MANE Select); coding-DNA position 132, G replaced by A.
Protein change: p.Gln44=; no amino-acid change (glutamine 44 retained).
Molecular consequence: synonymous variant.
Genome position (GRCh38, 1-based): chrX:57,120,498, C>T on the plus strand (G>A on the coding strand, the complement: SPIN2B is on the minus strand). VCF-style: chrX-57120498-C-T. GRCh37 (hg19) VCF-style: chrX-57146931-C-T.
Other names: c.132G>A, p.Gln44= (NM_001006682.2, NM_001006683.2, NM_001282461.2 and 1 more transcripts).
Identifiers: ClinVar variation 4083651 (VCV004083651.8).